The following is an entry in ClinVar:

ClinVar aggregate classification (germline): Uncertain significance (1 of 4 stars; one submission).

Allele frequency attached by ClinVar (database versions not stated): gnomAD exomes 0.00001; TOPMed 0.00001; ExAC 0.00002; gnomAD 0.00003 and 0.00004.
gnomAD v4.1: 15 of 1,599,662 alleles (0.00094%); highest among the groups gnomAD compares: Non-Finnish European, 0.0012%; no homozygotes.

Submission:

Labcorp Genetics (formerly Invitae), Labcorp
Classification: Uncertain significance. Last evaluated: 2022-07-19. Review status: criteria provided, single submitter. Criteria: Invitae Variant Classification Sherloc (09022015). Collection method: clinical testing. Allele origin: germline.
Comment: In summary, the available evidence is currently insufficient to determine the role of this variant in disease. Therefore, it has been classified as a Variant of Uncertain Significance. Algorithms developed to predict the effect of missense changes on protein structure and function (SIFT, PolyPhen-2, Align-GVGD) all suggest that this variant is likely to be disruptive. ClinVar contains an entry for this variant (Variation ID: 860367). This variant has not been reported in the literature in individuals affected with RIMS1-related conditions. This variant is present in population databases (rs775018237, gnomAD 0.004%). This sequence change replaces leucine, which is neutral and non-polar, with proline, which is neutral and non-polar, at codon 875 of the RIMS1 protein (p.Leu875Pro).

NM_014989.7(RIMS1):c.2624T>C (p.Leu875Pro)

Gene: RIMS1 (regulating synaptic membrane exocytosis 1; plus strand). Cytogenetic location: 6q13.
Variant type: single nucleotide variant.
Coding change: c.2624T>C on transcript NM_014989.7 (MANE Select); coding-DNA position 2624, T replaced by C.
Protein change: p.Leu875Pro; replaces leucine 875 with proline.
Molecular consequence: missense variant.
Genome position (GRCh38, 1-based): chr6:72,251,294, T>C. VCF-style: chr6-72251294-T-C. GRCh37 (hg19) VCF-style: chr6-72960997-T-C.
Other names: c.1046T>C, p.Leu349Pro (NM_001168407.2, NM_001168408.2, NM_001350414.2 and 37 more transcripts); c.803T>C, p.Leu268Pro (NM_001168409.2, NM_001350461.2, NM_001350463.2 and 6 more transcripts); c.1001T>C, p.Leu334Pro (NM_001168410.2, NM_001350470.2, NM_001350472.2 and 2 more transcripts); c.977T>C, p.Leu326Pro (NM_001350421.2, NM_001350424.2, NM_001350428.2 and 6 more transcripts); short protein forms L326P, L268P, L334P, L349P, L875P.
Identifiers: ClinVar variation 860367 (VCV000860367.11), dbSNP rs775018237, ClinGen allele CA3885994.